The following is an entry in ClinVar:

ClinVar aggregate classification (germline): Uncertain significance. Review status: criteria provided, multiple submitters, no conflicts (2 of 4 stars). 2 submissions from 2 submitters: Uncertain significance (2). Last evaluated 2025-04-01.

Conditions:
Inborn genetic diseases. Identifiers: MedGen C0950123, MeSH D030342.

Allele frequency attached by ClinVar (database versions not stated): gnomAD exomes below 0.00001.
gnomAD v4.1: 5 of 1,614,100 alleles (0.00031%); highest among the groups gnomAD compares: Non-Finnish European, 0.00042%; no homozygotes.

Submissions (2):

Ambry Genetics
Classification: Uncertain significance for Inborn genetic diseases. Last evaluated: 2025-04-01. Review status: criteria provided, single submitter. Criteria: Ambry Variant Classification Scheme 2023. Collection method: clinical testing. Allele origin: germline.

Laboratory for Molecular Medicine, Mass General Brigham Personalized Medicine
Classification: Uncertain significance. Last evaluated: 2017-02-02. Review status: criteria provided, single submitter. Criteria: LMM Criteria. Collection method: clinical testing. Allele origin: germline. Observed: 2 variant alleles.
Comment: Variant classified as Uncertain Significance - Favor Benign. It has not been reported in large population studies. The leucine (Leu) at position 107 is not conserved in mammals or evolutionary distant species, with one mammal (Bushbaby) having a methionine (Met) at this position, supporting that a change at this po sition may be tolerated. Additional computational prediction tools do not provid e strong support for or against an impact to the protein. In summary, while the clinical significance of the p.Leu107Met variant is uncertain, available data s uggest that it is more likely to be benign.

NM_024915.4(GRHL2):c.319T>A (p.Leu107Met)

Gene: GRHL2 (grainyhead like transcription factor 2; plus strand). Cytogenetic location: 8q22.3.
Variant type: single nucleotide variant.
Coding change: c.319T>A on transcript NM_024915.4 (MANE Select); coding-DNA position 319, T replaced by A.
Protein change: p.Leu107Met; replaces leucine 107 with methionine.
Molecular consequence: missense variant.
Genome position (GRCh38, 1-based): chr8:101,558,453, T>A. VCF-style: chr8-101558453-T-A. GRCh37 (hg19) VCF-style: chr8-102570681-T-A.
Other names: c.271T>A, p.Leu91Met (NM_001330593.2); short protein forms L107M, L91M.
Identifiers: ClinVar variation 505419 (VCV000505419.5), dbSNP rs1048525846, ClinGen allele CA182748622.
Genomic context (GRCh38, chr8:101,558,453, plus strand): 5'-ATGTTGCGGGGGGTTTCAACACACAGAAACTGCCTTGGCACCAGTGAAGCCCAGAGTAAT[T>A]TGAGTGGAGGAGAAAACCGAGTGCAAGTCCTAAAGACTGTTCCAGTGAACCTTTCCCTAA-3'
Protein context (NP_079191.2, residues 97-117): CLGTSEAQSN[Leu107Met]SGGENRVQVL